The following is an entry in ClinVar:

NM_181882.3(PRX):c.4307G>A (p.Arg1436Gln)

Gene: PRX (periaxin; minus strand). Cytogenetic location: 19q13.2.
Variant type: single nucleotide variant.
Coding change: c.4307G>A on transcript NM_181882.3 (MANE Select); coding-DNA position 4307, G replaced by A.
Protein change: p.Arg1436Gln; replaces arginine 1436 with glutamine.
Molecular consequence: missense variant. On other transcripts: 3 prime UTR variant (1).
Genome position (GRCh38, 1-based): chr19:40,394,045, C>T on the plus strand (G>A on the coding strand, the complement: PRX is on the minus strand). VCF-style: chr19-40394045-C-T. GRCh37 (hg19) VCF-style: chr19-40899952-C-T.
Other names: c.*4512G>A (NM_020956.2); short protein forms R1436Q.
Identifiers: ClinVar variation 543355 (VCV000543355.26), dbSNP rs368827070, ClinGen allele CA9443644.

ClinVar aggregate classification (germline): Uncertain significance. Review status: criteria provided, multiple submitters, no conflicts (2 of 4 stars). 10 submissions from 9 submitters: Uncertain significance (10). Last evaluated 2025-06-12.

Conditions:
Inborn genetic diseases. Identifiers: MedGen C0950123, MeSH D030342.
Dejerine-Sottas disease. Also called: DEJERINE-SOTTAS NEUROPATHY; HEREDITARY MOTOR AND SENSORY NEUROPATHY TYPE III; Charcot-Marie-Tooth disease type 3; HMSN Type III; Hereditary motor and sensory neuropathy 3. Identifiers: Orphanet 64748, MedGen C0011195, MONDO:0007790, OMIM 145900.
Charcot-Marie-Tooth disease type 4F. Also called: Charcot-Marie-Tooth disease, demyelinating, type 4F. Identifiers: Orphanet 99952, MedGen C3540453, MONDO:0013959, OMIM 614895.
Charcot-Marie-Tooth disease. Also called: Charcot-Marie-Tooth Neuropathy; Charcot-Marie-Tooth Hereditary Neuropathy. Identifiers: Orphanet 166, MedGen C0007959, MONDO:0015626.
Charcot-Marie-Tooth disease type 4. Also called: Charcot-Marie-Tooth, Type 4; Charcot-Marie-Tooth disease, type IV. Identifiers: Orphanet 64749, MedGen C4082197, MONDO:0018995.

Allele frequency attached by ClinVar (database versions not stated): ExAC 0.00002; gnomAD exomes 0.00004 and 0.00017; gnomAD 0.00006; ESP Exome Variant Server 0.00008; TOPMed 0.00009.
gnomAD v4.1: 251 of 1,612,976 alleles (0.016%); highest among the groups gnomAD compares: Non-Finnish European, 0.021%; no homozygotes.

Submissions (10):

GeneDx
Classification: Uncertain significance. Last evaluated: 2025-06-12. Review status: criteria provided, single submitter. Criteria: GeneDx Variant Classification Process June 2021. Collection method: clinical testing. Allele origin: germline. Affected: yes.
Comment: Reported previously as a variant of uncertain significance in a cohort of patients with suspected Charcot-Marie-Tooth disease; however, no further clinical information was provided (PMID: 32376792); Not observed at significant frequency in large population cohorts (gnomAD); In silico analysis suggests that this missense variant does not alter protein structure/function; This variant is associated with the following publications: (PMID: 32376792, 25614874)

Labcorp Genetics (formerly Invitae), Labcorp
Classification: Uncertain significance for Charcot-Marie-Tooth disease type 4. Last evaluated: 2022-06-04. Review status: criteria provided, single submitter. Criteria: Invitae Variant Classification Sherloc (09022015). Collection method: clinical testing. Allele origin: germline.
Comment: This sequence change replaces arginine, which is basic and polar, with glutamine, which is neutral and polar, at codon 1436 of the PRX protein (p.Arg1436Gln). This variant is present in population databases (rs368827070, gnomAD 0.008%). This missense change has been observed in individual(s) with clinical features of Charcot-Marie-Tooth disease (PMID: 32376792). ClinVar contains an entry for this variant (Variation ID: 543355). Algorithms developed to predict the effect of missense changes on protein structure and function output the following: SIFT: "Tolerated"; PolyPhen-2: "Benign"; Align-GVGD: "Class C0". The glutamine amino acid residue is found in multiple mammalian species, which suggests that this missense change does not adversely affect protein function. Algorithms developed to predict the effect of sequence changes on RNA splicing suggest that this variant may create or strengthen a splice site. In summary, the available evidence is currently insufficient to determine the role of this variant in disease. Therefore, it has been classified as a Variant of Uncertain Significance.

Baylor Genetics
Classification: Uncertain significance for Charcot-Marie-Tooth disease type 4F. Last evaluated: 2022-05-26. Review status: criteria provided, single submitter. Criteria: ACMG Guidelines, 2015. Collection method: clinical testing. Allele origin: unknown.

Baylor Genetics
Classification: Uncertain significance for Dejerine-Sottas disease. Last evaluated: 2022-05-26. Review status: criteria provided, single submitter. Criteria: ACMG Guidelines, 2015. Collection method: clinical testing. Allele origin: unknown.

Revvity Omics, Revvity
Classification: Uncertain significance. Last evaluated: 2021-07-30. Review status: criteria provided, single submitter. Criteria: ACMG Guidelines, 2015. Collection method: clinical testing. Allele origin: germline.

Ambry Genetics
Classification: Uncertain significance for Inborn genetic diseases. Last evaluated: 2019-11-11. Review status: criteria provided, single submitter. Criteria: Ambry Variant Classification Scheme 2023. Collection method: clinical testing. Allele origin: germline.
Comment: The p.R1436Q variant (also known as c.4307G>A), located in coding exon 4 of the PRX gene, results from a G to A substitution at nucleotide position 4307. The arginine at codon 1436 is replaced by glutamine, an amino acid with highly similar properties. This amino acid position is well conserved in available vertebrate species. In addition, this alteration is predicted to be tolerated by in silico analysis. Since supporting evidence is limited at this time, the clinical significance of this alteration remains unclear.

ARUP Laboratories, Molecular Genetics and Genomics, ARUP Laboratories
Classification: Uncertain significance. Last evaluated: 2018-01-22. Review status: criteria provided, single submitter. Criteria: ARUP Molecular Germline Variant Investigation Process. Collection method: clinical testing. Allele origin: germline.
Comment: The PRX c.4307G>A; p.Arg1436Gln variant (rs368827070), to our knowledge, is not reported in the medical literature, gene specific variation databases, nor has it been previously identified by our laboratory. This variant is listed in the genome Aggregation Database (gnomAD) with a non-Finnish European population frequency of 0.008% (identified on 10 out of 126,250 chromosomes). The arginine at position 1436 is moderately conserved, considering 11 species, and computational analyses of the effects of the p.Arg1436Gln variant on protein structure and function do not predict a deleterious effect (SIFT: tolerated, MutationTaster: polymorphism, PolyPhen-2: benign). Based on the available information, the clinical significance of the p.Arg1436Gln variant cannot be determined with certainty.

Illumina Laboratory Services, Illumina
Classification: Uncertain significance for Charcot-Marie-Tooth disease type 4F. Last evaluated: 2017-10-09. Review status: criteria provided, single submitter. Criteria: ICSL Variant Classification Criteria 13 December 2019. Collection method: clinical testing. Allele origin: germline.

Breakthrough Genomics
Classification: Uncertain significance. Review status: criteria provided, single submitter. Criteria: ACMG Guidelines, 2015. Collection method: not provided. Allele origin: germline. Inheritance: Autosomal dominant inheritance. Affected: yes.

Molecular Genetics Laboratory, London Health Sciences Centre
Classification: Uncertain significance for Charcot-Marie-Tooth disease. Review status: criteria provided, single submitter. Criteria: ACMG Guidelines, 2015. Collection method: clinical testing. Allele origin: germline. Affected: yes.

Literature cited by the submitters: PubMed 32376792 (cited by Labcorp Genetics (formerly Invitae), Labcorp).